The following is an entry in ClinVar:

ClinVar aggregate classification (germline): Pathogenic/Likely pathogenic. Review status: criteria provided, multiple submitters, no conflicts (2 of 4 stars). 11 submissions from 11 submitters: Pathogenic (6); Likely pathogenic (4). 1 of the submissions does not count toward it. Last evaluated 2026-03-25.

Conditions:
Cardiovascular phenotype. Identifiers: MedGen CN230736.
Primary familial dilated cardiomyopathy (FDC). Also called: Hypokinetic dilated cardiomyopathy, familial; Familial dilated cardiomyopathy. Identifiers: Orphanet 217607, MedGen C0340427, MONDO:0016333.
TTN-related disorder. Also called: TTN-related condition; TTN-related disease; TTN-related disorders.
Dilated cardiomyopathy 1G (CMD1G). Identifiers: Orphanet 154, MedGen C1858763, MONDO:0011400, OMIM 604145.
Autosomal recessive limb-girdle muscular dystrophy type 2J (LGMDR10). Also called: MUSCULAR DYSTROPHY, LIMB-GIRDLE, AUTOSOMAL RECESSIVE 10; Limb-girdle muscular dystrophy, type 2J. Identifiers: Orphanet 140922, MedGen C1837342, MONDO:0012127, OMIM 608807.
Early-onset myopathy with fatal cardiomyopathy (CMYO5). Also called: CONGENITAL MYOPATHY 5 WITH CARDIOMYOPATHY; Salih Myopathy. Identifiers: Orphanet 289377, MedGen C2673677, MONDO:0012714, OMIM 611705. Disease mechanism: loss of function.
Hypertrophic cardiomyopathy 9. Also called: Familial hypertrophic cardiomyopathy 9. Identifiers: MedGen C1861065, MONDO:0013412, OMIM 613765.
Tibial muscular dystrophy (TMD). Also called: Udd Distal Myopathy – Tibial Muscular Dystrophy; UDD MYOPATHY; Tibial muscular dystrophy, tardive. Identifiers: Orphanet 609, MedGen C1838244, MONDO:0010870, OMIM 600334.
Myopathy, myofibrillar, 9, with early respiratory failure (MFM9). Also called: EDSTROM MYOPATHY; Myopathy, distal, with early respiratory failure, autosomal dominant; MYOPATHY, PROXIMAL, WITH EARLY RESPIRATORY MUSCLE INVOLVEMENT; Hereditary myopathy with early respiratory failure. Identifiers: Orphanet 178464, Orphanet 34521, MedGen C1863599, MONDO:0011362, OMIM 603689.
Primary dilated cardiomyopathy (DCM). Also called: Dilated Cardiomyopathy. Identifiers: Orphanet 217604, MedGen C0007193, MeSH D002311, MONDO:0005021, HP:0001644. Inheritance: Various modes of inheritance.

gnomAD v4.1: 8 of 1,611,460 alleles (0.0005%); highest among the groups gnomAD compares: Admixed American, 0.0067%; no homozygotes.

Submissions 1 to 6 of 11:

PreventionGenetics, part of Exact Sciences
Classification: Pathogenic for TTN-related condition. Last evaluated: 2026-03-25. Review status: criteria provided, single submitter. Criteria: ACMG Guidelines, 2015. Collection method: clinical testing. Allele origin: germline.
Comment: The TTN c.64453C>T variant is predicted to result in premature protein termination (p.Arg21485*). This variant has been reported in multiple individuals with dilated cardiomyopathy (see for example: Table S4, Roberts et al. 2015. PubMed ID: 25589632; Table S3, Mazzarotto et al. 2020. PubMed ID: 31983221; Table S9, McGurk et al. 2023. PubMed ID: 37652022). This variant has also been documented in the heterozygous state in 3 siblings with alcoholic cardiomyopathy; however, other heterozygous carriers without prolonged heavy alcohol consumption in this family did not show cardiac involvement (Family 1016, Ware et al. 2018. PubMed ID: 29773157). This variant is reported in 0.012% of alleles in individuals of Latino descent in gnomAD. This variant is located in the A-band region of the protein in which truncating TTN variants have been found more frequently in dilated cardiomyopathy patients than in controls (Herman et al. 2012. PubMed ID: 22335739). RNAseq studies from heart tissue indicate this exon is commonly included in TTN mRNA transcripts (PSI of 100%, Roberts et al. 2015. PubMed ID: 25589632). TTN loss-of-function variants occurring in constitutively expressed exons (PSI > 90%) are more likely to be disease causing for TTN cardiac-related disorders regardless of band location (Roberts et al. 2015. PubMed ID: 25589632; Schafer et al. 2017. PubMed ID: 27869827; Akhtar et al. 2020. PubMed ID: 32964742). Many cases of recessive TTN-related myopathies in which the individual is compound heterozygous for two loss-of-function variants in TTN have also been reported (Oates et al. 2018. PubMed ID: 29691892; Ge et al. 2019. PubMed ID: 31053406; Rees et al. 2021. PubMed ID: 33449170). In summary, this variant is categorized as pathogenic. Of note, this variant is considered pathogenic for increased risk of TTN-related cardiac disorders, and also for autosomal recessive TTN-related congenital titinopathies.

Labcorp Genetics (formerly Invitae), Labcorp
Classification: Pathogenic for Dilated cardiomyopathy 1G; Autosomal recessive limb-girdle muscular dystrophy type 2J. Last evaluated: 2026-01-11. Review status: criteria provided, single submitter. Criteria: Invitae Variant Classification Sherloc (09022015). Collection method: clinical testing. Allele origin: germline.
Comment: This sequence change creates a premature translational stop signal (p.Arg21485*) in the TTN gene. While this is not anticipated to result in nonsense mediated decay, it is expected to create a truncated TTN protein. This variant is present in population databases (rs768345594, gnomAD 0.01%). This premature translational stop signal has been observed in individuals with dilated cardiomyopathy (PMID: 25589632, 29773157; internal data). ClinVar contains an entry for this variant (Variation ID: 223315). This variant is located in the A band of TTN (PMID: 25589632). Truncating variants in this region are significantly overrepresented in patients affected with dilated cardiomyopathy (PMID: 25589632). Truncating variants in this region have also been reported in individuals affected with autosomal recessive centronuclear myopathy (PMID: 23975875). For these reasons, this variant has been classified as Pathogenic.

Ambry Genetics
Classification: Likely pathogenic for Cardiovascular phenotype. Last evaluated: 2024-11-25. Review status: criteria provided, single submitter. Criteria: Ambry Variant Classification Scheme 2023. Collection method: clinical testing. Allele origin: germline.
Comment: The p.R12420* variant (also known as c.37258C>T), located in coding exon 136 of the TTN gene, results from a C to T substitution at nucleotide position 37258. This changes the amino acid from an arginine to a stop codon within coding exon 136. This exon is located in the A-band region of the N2-B isoform of the titin protein and is constitutively expressed in TTN transcripts (percent spliced in or PSI 100%). This variant (also referred to as NM_001267550.1:c.64453C>T, p.R21485*) was reported in individual(s) with features consistent with dilated cardiomyopathy (Roberts AM et al. Sci Transl Med, 2015 Jan;7:270ra6; Ware JS et al. J Am Coll Cardiol, 2018 May;71:2293-2302; Mazzarotto F et al. Circulation, 2020 Feb;141:387-398; Ambry internal data). This alteration is expected to result in loss of function by premature protein truncation or nonsense-mediated mRNA decay. While truncating variants in TTN are present in 1-3% of the general population, truncating variants in the A-band are the most common cause of dilated cardiomyopathy (DCM) (Herman DS et al. N. Engl. J. Med., 2012 Feb;366:619-28; Roberts AM et al. Sci Transl Med, 2015 Jan;7:270ra6). TTN truncating variants encoded in constitutive exons (PSI >90%) have been found to be significantly associated with DCM regardless of their position in titin (Schafer S et al. Nat. Genet., 2017 01;49:46-53). As such, this alteration is classified as likely pathogenic.

Fulgent Genetics
Classification: Pathogenic for Tibial muscular dystrophy; Myopathy, myofibrillar, 9, with early respiratory failure; Dilated cardiomyopathy 1G; Autosomal recessive limb-girdle muscular dystrophy type 2J; Early-onset myopathy with fatal cardiomyopathy; Hypertrophic cardiomyopathy 9. Last evaluated: 2024-05-01. Review status: criteria provided, single submitter. Criteria: ACMG Guidelines, 2015. Collection method: clinical testing. Allele origin: germline.

Women's Health and Genetics/Laboratory Corporation of America, LabCorp
Classification: Pathogenic for Primary familial dilated cardiomyopathy. Last evaluated: 2024-03-29. Review status: criteria provided, single submitter. Criteria: LabCorp Variant Classification Summary - May 2015. Collection method: clinical testing. Allele origin: germline.
Comment: Variant summary: TTN c.56749C>T (p.Arg18917X) results in a premature termination codon, predicted to cause a truncation of the encoded protein or absence of the protein due to nonsense mediated decay, which are commonly known mechanisms for disease. Nonsense, frameshift, and canonical splice-site variants in TTN are strongly associated with DCM when they affect exons encoding for the A-band region (PMIDs: 22335739, 24503780) and/or exons constitutively expressed (proportion spliced in [PSI]>0.9) in the primary cardiac isoforms (PMIDs: 25589632, 31216868, 32964742, 27869827), which is the case for this variant (located in the A band in an exon with PSI score of 100%). The variant allele was found at a frequency of 2e-05 in 246988 control chromosomes (gnomAD). c.56749C>T has been reported in the literature in multiple individuals affected with Dilated Cardiomyopathy, but was also found in unaffected individuals, consistent with a reduced penetrance (e.g. Roberts_2015, Ware_2018, Mazzarotto_2020, McGurk_2023). These data indicate that the variant is very likely to be associated with disease. To our knowledge, no experimental evidence demonstrating an impact on protein function has been reported. ClinVar contains an entry for this variant (Variation ID: 223315). Based on the evidence outlined above, the variant was classified as pathogenic.

Revvity Omics, Revvity
Classification: Likely pathogenic. Last evaluated: 2023-12-29. Review status: criteria provided, single submitter. Criteria: ACMG Guidelines, 2015. Collection method: clinical testing. Allele origin: germline.

NM_001267550.2(TTN):c.64453C>T (p.Arg21485Ter)

Genes: TTN-AS1 (TTN antisense RNA 1; plus strand), TTN (titin; minus strand). Cytogenetic location: 2q31.2.
Variant type: single nucleotide variant.
Coding change: c.64453C>T on transcript NM_001267550.2 (MANE Select); coding-DNA position 64453, C replaced by T.
Protein change: p.Arg21485Ter; replaces arginine 21485 with a stop codon.
Molecular consequence: nonsense.
Genome position (GRCh38, 1-based): chr2:178,585,291, G>A on the plus strand (C>T on the coding strand, the complement: TTN is on the minus strand). VCF-style: chr2-178585291-G-A. GRCh37 (hg19) VCF-style: chr2-179450018-G-A.
Other names: p.Arg21485*; c.64453C>T (NM_001267550.1, LRG_391t1); c.59530C>T, p.Arg19844Ter (NM_001256850.1); c.37258C>T, p.Arg12420Ter (NM_003319.4); c.56749C>T, p.Arg18917Ter (NM_133378.4); c.37633C>T, p.Arg12545Ter (NM_133432.3); c.37834C>T, p.Arg12612Ter (NM_133437.4); short protein forms R21485*, R12420*, R12545*, R12612*, R18917*, R19844*.
Identifiers: ClinVar variation 223315 (VCV000223315.21), dbSNP rs768345594, ClinGen allele CA090110.